The following is an entry in ClinVar:

NM_002471.4(MYH6):c.3196G>A (p.Glu1066Lys)

Gene: MYH6 (myosin heavy chain 6; minus strand). Cytogenetic location: 14q11.2.
Variant type: single nucleotide variant.
Coding change: c.3196G>A on transcript NM_002471.4 (MANE Select); coding-DNA position 3196, G replaced by A.
Protein change: p.Glu1066Lys; replaces glutamic acid 1066 with lysine.
Molecular consequence: missense variant.
Genome position (GRCh38, 1-based): chr14:23,392,967, C>T on the plus strand (G>A on the coding strand, the complement: MYH6 is on the minus strand). VCF-style: chr14-23392967-C-T. GRCh37 (hg19) VCF-style: chr14-23862176-C-T.
Other names: short protein forms E1066K.
Identifiers: ClinVar variation 2178020 (VCV002178020.4), dbSNP rs560965568, ClinGen allele CA7115279.

ClinVar aggregate classification (germline): Uncertain significance (1 of 4 stars; one submission).

Conditions:
Hypertrophic cardiomyopathy 14. Identifiers: MedGen C2750467, MONDO:0013197, OMIM 613251.

Allele frequency attached by ClinVar (database versions not stated): gnomAD exomes below 0.00001; ExAC 0.00001; gnomAD 0.00001; 1000 Genomes Project 30x 0.00016; 1000 Genomes Project 0.00020.
gnomAD v4.1: 2 of 1,614,214 alleles (0.00012%); highest among the groups gnomAD compares: East Asian, 0.0022%; no homozygotes.

Submission:

Labcorp Genetics (formerly Invitae), Labcorp
Classification: Uncertain significance for Hypertrophic cardiomyopathy 14. Last evaluated: 2022-08-23. Review status: criteria provided, single submitter. Criteria: Invitae Variant Classification Sherloc (09022015). Collection method: clinical testing. Allele origin: germline.
Comment: This sequence change replaces glutamic acid, which is acidic and polar, with lysine, which is basic and polar, at codon 1066 of the MYH6 protein (p.Glu1066Lys). This variant is present in population databases (rs560965568, gnomAD 0.006%). In summary, the available evidence is currently insufficient to determine the role of this variant in disease. Therefore, it has been classified as a Variant of Uncertain Significance. Algorithms developed to predict the effect of missense changes on protein structure and function are either unavailable or do not agree on the potential impact of this missense change (SIFT: "Deleterious"; PolyPhen-2: "Probably Damaging"; Align-GVGD: "Class C0"). This variant has not been reported in the literature in individuals affected with MYH6-related conditions.